The following is an entry in ClinVar:

NM_016188.5(ACTL6B):c.1275C>A (p.Cys425Ter)

Gene: ACTL6B (actin like 6B; minus strand). Cytogenetic location: 7q22.1.
Variant type: single nucleotide variant.
Coding change: c.1275C>A on transcript NM_016188.5 (MANE Select); coding-DNA position 1275, C replaced by A.
Protein change: p.Cys425Ter; replaces cysteine 425 with a stop codon.
Molecular consequence: nonsense. On other transcripts: non-coding transcript variant (1).
Genome position (GRCh38, 1-based): chr7:100,643,252, G>T on the plus strand (C>A on the coding strand, the complement: ACTL6B is on the minus strand). VCF-style: chr7-100643252-G-T. GRCh37 (hg19) VCF-style: chr7-100240875-G-T.
Other names: short protein forms C425*.
Identifiers: ClinVar variation 692140 (VCV000692140.5), dbSNP rs1584466132, ClinGen allele CA368540175.

ClinVar aggregate classification (germline): Conflicting classifications of pathogenicity. Review status: criteria provided, conflicting classifications (1 of 4 stars). 4 submissions from 4 submitters: Pathogenic (1); Likely pathogenic (1); Uncertain significance (1). 1 of the submissions does not count toward it. Last evaluated 2025-08-11.

Conditions:
ACTL6B-related BAFopathy.
Developmental and epileptic encephalopathy, 76. Also called: EPILEPTIC ENCEPHALOPATHY, EARLY INFANTILE, 76; DEVELOPMENTAL DELAY, EPILEPTIC ENCEPHALOPATHY, CEREBRAL ATROPHY, AND ABNORMAL MYELINATION. Identifiers: MedGen C5193113, MONDO:0032768, OMIM 618468.
ACTL6B-related recessive epilepsy.

Allele frequency attached by ClinVar (database versions not stated): gnomAD 0.00001; TOPMed below 0.00001.
gnomAD v4.1: 3 of 1,613,838 alleles (0.00019%); highest among the groups gnomAD compares: Non-Finnish European, 0.00025%; no homozygotes.

Submissions (4):

GeneDx
Classification: Likely pathogenic. Last evaluated: 2025-08-11. Review status: criteria provided, single submitter. Criteria: GeneDx Variant Classification Process June 2021. Collection method: clinical testing. Allele origin: germline. Affected: yes.
Comment: Observed with a pathogenic or likely pathogenic variant on the opposite allele (in trans) in published literature but additional clinical information was not included (PMID: 34906496); Nonsense variant predicted to result in protein truncation as the last 2 amino acid(s) are lost; Not observed at significant frequency in large population cohorts (gnomAD); This variant is associated with the following publications: (PMID: 37500730, 31031012, 34906496)

Baylor Genetics
Classification: Pathogenic for ACTL6B-related BAFopathy. Last evaluated: 2021-06-10. Review status: criteria provided, single submitter. Criteria: ACMG Guidelines, 2015. Collection method: clinical testing. Allele origin: maternal. Affected: yes.

SIB Swiss Institute of Bioinformatics
Classification: Uncertain significance for Developmental and epileptic encephalopathy, 76. Last evaluated: 2019-07-28. Review status: criteria provided, single submitter. Criteria: ACMG Guidelines, 2015. Collection method: curation. Allele origin: unknown.
Comment: This variant is interpreted as a variant of uncertain significance for Epileptic encephalopathy, early infantile, 76, autosomal recessive. The following ACMG Tag(s) were applied: PM2, PS3-supporting, PM3.

CHU Sainte-Justine Research Center, University of Montreal
Classification: Likely pathogenic for ACTL6B-related recessive epilepsy. Last evaluated: 2019-03-01. Review status: no assertion criteria provided. Collection method: research. Allele origin: germline. Affected: yes. Not counted in ClinVar's aggregate classification.

Literature cited by the submitters: PubMed 31031012 (cited by SIB Swiss Institute of Bioinformatics).